The following is an entry in ClinVar:

ClinVar aggregate classification (germline): Likely benign. Review status: criteria provided, multiple submitters, no conflicts (2 of 4 stars). 2 submissions from 2 submitters: Likely benign (2). Last evaluated 2025-09-03.

Allele frequency attached by ClinVar (database versions not stated): gnomAD exomes 0.00002 and 0.00005; TOPMed 0.00003; gnomAD 0.00004; ExAC 0.00007.
gnomAD v4.1: 38 of 1,613,400 alleles (0.0024%); highest among the groups gnomAD compares: Admixed American, 0.012%; no homozygotes.

Submissions (3):

Labcorp Genetics (formerly Invitae), Labcorp
Classification: Likely benign. Last evaluated: 2025-09-03. Review status: criteria provided, single submitter. Criteria: Invitae Variant Classification Sherloc (09022015). Collection method: clinical testing. Allele origin: germline.

GeneDx
Classification: Likely benign. Last evaluated: 2018-05-11. Review status: criteria provided, single submitter. Criteria: GeneDx Variant Classification (06012015). Collection method: clinical testing. Allele origin: germline. Affected: yes.
Comment: This variant is considered likely benign or benign based on one or more of the following criteria: it is a conservative change, it occurs at a poorly conserved position in the protein, it is predicted to be benign by multiple in silico algorithms, and/or has population frequency not consistent with disease.

Dr. Peter K. Rogan Lab, Western University
No classification provided (evidence only). Condition: Lung cancer. Review status: no classification provided. Collection method: in vitro. Allele origin: not applicable. Functional consequence: retained intron. Not counted in ClinVar's aggregate classification.

NM_001013703.4(EIF2AK4):c.3694-5G>A

Gene: EIF2AK4 (eukaryotic translation initiation factor 2 alpha kinase 4; plus strand). Cytogenetic location: 15q15.1.
Variant type: single nucleotide variant.
Coding change: c.3694-5G>A on transcript NM_001013703.4 (MANE Select); 5 bases into the intron before coding-DNA position 3694, G replaced by A.
Molecular consequence: intron variant.
Genome position (GRCh38, 1-based): chr15:40,011,276, G>A. VCF-style: chr15-40011276-G-A. GRCh37 (hg19) VCF-style: chr15-40303477-G-A.
Other names: NC_000015.9:g.40303477G>A.
Identifiers: ClinVar variation 668276 (VCV000668276.3), dbSNP rs748280701, ClinGen allele CA7474422.